The following is an entry in ClinVar:

NM_018139.3(DNAAF2):c.827C>G (p.Pro276Arg)

Gene: DNAAF2 (dynein axonemal assembly factor 2; minus strand). Cytogenetic location: 14q21.3.
Variant type: single nucleotide variant.
Coding change: c.827C>G on transcript NM_018139.3 (MANE Select); coding-DNA position 827, C replaced by G.
Protein change: p.Pro276Arg; replaces proline 276 with arginine.
Molecular consequence: missense variant.
Genome position (GRCh38, 1-based): chr14:49,634,323, G>C on the plus strand (C>G on the coding strand, the complement: DNAAF2 is on the minus strand). VCF-style: chr14-49634323-G-C. GRCh37 (hg19) VCF-style: chr14-50101041-G-C.
Other names: c.827C>G, p.Pro276Arg (NM_001083908.2); short protein forms P276R.
Identifiers: ClinVar variation 1992038 (VCV001992038.2), dbSNP rs562712293, ClinGen allele CA7173021.
Genomic context (GRCh38, chr14:49,634,323, plus strand): 5'-TCGGCCGAGCGCAACAGCGGCAGTTCGATGGTGATCACCAGCTCATGGGGCACGGGGCTC[G>C]GGGCTGAGTCCCTGGAGCAGCGGTAATCCTGGAGGTCCACGTGGTGGCGCTGCACCACGC-3'
Protein context (NP_060609.2, residues 266-286): QDYRCSRDSA[Pro276Arg]SPVPHELVIT

ClinVar aggregate classification (germline): Uncertain significance (1 of 4 stars; one submission).

Conditions:
Primary ciliary dyskinesia. Also called: Ciliary dyskinesia. Identifiers: Orphanet 244, MedGen C0008780, MONDO:0016575, HP:0012265.

Allele frequency attached by ClinVar (database versions not stated): ExAC 0.00001; TOPMed 0.00004; gnomAD 0.00006.

Submission:

Labcorp Genetics (formerly Invitae), Labcorp
Classification: Uncertain significance for Primary ciliary dyskinesia. Last evaluated: 2022-07-21. Review status: criteria provided, single submitter. Criteria: Invitae Variant Classification Sherloc (09022015). Collection method: clinical testing. Allele origin: germline.
Comment: In summary, the available evidence is currently insufficient to determine the role of this variant in disease. Therefore, it has been classified as a Variant of Uncertain Significance. Algorithms developed to predict the effect of missense changes on protein structure and function are either unavailable or do not agree on the potential impact of this missense change (SIFT: "Tolerated"; PolyPhen-2: "Probably Damaging"; Align-GVGD: "Class C0"). This variant has not been reported in the literature in individuals affected with DNAAF2-related conditions. This variant is present in population databases (rs562712293, gnomAD 0.01%). This sequence change replaces proline, which is neutral and non-polar, with arginine, which is basic and polar, at codon 276 of the DNAAF2 protein (p.Pro276Arg).